The following is an entry in ClinVar:

ClinVar aggregate classification (germline): Uncertain significance. Review status: criteria provided, multiple submitters, no conflicts (2 of 4 stars). 3 submissions from 3 submitters: Uncertain significance (3). Last evaluated 2025-05-02.

Conditions:
FANCM-related disorder. Also called: FANCM-related condition.
Inborn genetic diseases. Identifiers: MedGen C0950123, MeSH D030342.
Fanconi anemia (FA). Also called: Fanconi's anemia. Identifiers: Orphanet 84, MedGen C0015625, MeSH D005199, MONDO:0019391.

Submissions (3):

Ambry Genetics
Classification: Uncertain significance for Inborn genetic diseases. Last evaluated: 2025-05-02. Review status: criteria provided, single submitter. Criteria: Ambry Variant Classification Scheme 2023. Collection method: clinical testing. Allele origin: germline.
Comment: The p.F794L variant (also known as c.2380T>C), located in coding exon 14 of the FANCM gene, results from a T to C substitution at nucleotide position 2380. The phenylalanine at codon 794 is replaced by leucine, an amino acid with highly similar properties. This amino acid position is conserved. In addition, this alteration is predicted to be tolerated by in silico analysis. Based on the available evidence, the clinical significance of this variant remains unclear.

Labcorp Genetics (formerly Invitae), Labcorp
Classification: Uncertain significance for Fanconi anemia. Last evaluated: 2024-07-01. Review status: criteria provided, single submitter. Criteria: Invitae Variant Classification Sherloc (09022015). Collection method: clinical testing. Allele origin: germline.
Comment: This sequence change replaces phenylalanine, which is neutral and non-polar, with leucine, which is neutral and non-polar, at codon 794 of the FANCM protein (p.Phe794Leu). This variant is not present in population databases (gnomAD no frequency). This variant has not been reported in the literature in individuals affected with FANCM-related conditions. ClinVar contains an entry for this variant (Variation ID: 2168339). An algorithm developed to predict the effect of missense changes on protein structure and function (PolyPhen-2) suggests that this variant is likely to be tolerated. In summary, the available evidence is currently insufficient to determine the role of this variant in disease. Therefore, it has been classified as a Variant of Uncertain Significance.

PreventionGenetics, part of Exact Sciences
Classification: Uncertain significance for FANCM-related condition. Last evaluated: 2023-09-15. Review status: criteria provided, single submitter. Criteria: ACMG Guidelines, 2015. Collection method: clinical testing. Allele origin: germline.
Comment: The FANCM c.2380T>C variant is predicted to result in the amino acid substitution p.Phe794Leu. To our knowledge, this variant has not been reported in the literature or in a large population database, indicating this variant is rare. At this time, the clinical significance of this variant is uncertain due to the absence of conclusive functional and genetic evidence.

NM_020937.4(FANCM):c.2380T>C (p.Phe794Leu)

Gene: FANCM (FA complementation group M; plus strand). Cytogenetic location: 14q21.2.
Variant type: single nucleotide variant.
Coding change: c.2380T>C on transcript NM_020937.4 (MANE Select); coding-DNA position 2380, T replaced by C.
Protein change: p.Phe794Leu; replaces phenylalanine 794 with leucine.
Molecular consequence: missense variant.
Genome position (GRCh38, 1-based): chr14:45,175,134, T>C. VCF-style: chr14-45175134-T-C. GRCh37 (hg19) VCF-style: chr14-45644337-T-C.
Other names: c.2302T>C, p.Phe768Leu (NM_001308133.2); c.2380T>C (NM_020937.3); short protein forms F794L, F768L.
Identifiers: ClinVar variation 2168339 (VCV002168339.6), dbSNP rs2503180266, ClinGen allele CA389597615.